The following is an entry in ClinVar:

ClinVar aggregate classification (germline): Uncertain significance. Review status: criteria provided, multiple submitters, no conflicts (2 of 4 stars). 3 submissions from 3 submitters: Uncertain significance (2). 1 of the submissions does not count toward it. Last evaluated 2025-04-30.

Conditions:
Autosomal dominant polycystic liver disease. Also called: Polycystic liver disease; Congenital cystic disease of liver. Identifiers: Orphanet 2924, MedGen C0158683, MONDO:0000447, HP:0006557.

Allele frequency attached by ClinVar (database versions not stated): gnomAD 0.00004 and 0.00005; TOPMed 0.00008; ESP Exome Variant Server 0.00015; 1000 Genomes Project 0.00020; 1000 Genomes Project 30x 0.00031.
gnomAD v4.1: 168 of 1,613,950 alleles (0.01%); highest among the groups gnomAD compares: Admixed American, 0.032%; no homozygotes.

Submissions (3):

Mayo Clinic Laboratories, Mayo Clinic
Classification: Uncertain significance. Last evaluated: 2025-04-30. Review status: criteria provided, single submitter. Criteria: ACMG Guidelines, 2015. Collection method: clinical testing. Allele origin: germline. Observed: 1 variant allele.
Comment: BP4

Labcorp Genetics (formerly Invitae), Labcorp
Classification: Uncertain significance. Last evaluated: 2024-05-22. Review status: criteria provided, single submitter. Criteria: Invitae Variant Classification Sherloc (09022015). Collection method: clinical testing. Allele origin: germline.
Comment: This sequence change replaces proline, which is neutral and non-polar, with arginine, which is basic and polar, at codon 1459 of the LRP6 protein (p.Pro1459Arg). This variant is present in population databases (rs376248000, gnomAD 0.03%). This variant has not been reported in the literature in individuals affected with LRP6-related conditions. ClinVar contains an entry for this variant (Variation ID: 1255583). Advanced modeling of protein sequence and biophysical properties (such as structural, functional, and spatial information, amino acid conservation, physicochemical variation, residue mobility, and thermodynamic stability) performed at Invitae indicates that this missense variant is not expected to disrupt LRP6 protein function with a negative predictive value of 80%. In summary, the available evidence is currently insufficient to determine the role of this variant in disease. Therefore, it has been classified as a Variant of Uncertain Significance.

Laboratory of Gastroenterology and Hepatology, Radboud University Medical Center
Classification: Uncertain significance for Autosomal dominant polycystic liver disease. Last evaluated: 2021-09-01. Review status: no assertion criteria provided. Collection method: research. Allele origin: germline. Affected: yes. Not counted in ClinVar's aggregate classification.

NM_002336.3(LRP6):c.4376C>G (p.Pro1459Arg)

Gene: LRP6 (LDL receptor related protein 6; minus strand). Cytogenetic location: 12p13.2.
Variant type: single nucleotide variant.
Coding change: c.4376C>G on transcript NM_002336.3 (MANE Select); coding-DNA position 4376, C replaced by G.
Protein change: p.Pro1459Arg; replaces proline 1459 with arginine.
Molecular consequence: missense variant.
Genome position (GRCh38, 1-based): chr12:12,125,369, G>C on the plus strand (C>G on the coding strand, the complement: LRP6 is on the minus strand). VCF-style: chr12-12125369-G-C. GRCh37 (hg19) VCF-style: chr12-12278303-G-C.
Other names: p.Pro1459Arg; short protein forms P1459R.
Identifiers: ClinVar variation 1255583 (VCV001255583.7), dbSNP rs376248000, ClinGen allele CA6454969.
Genomic context (GRCh38, chr12:12,125,369, plus strand): 5'-GTGCCTTTGGTGCTTGAAGAACTACTTGATGATGCTCCTGTAACATGGGCTCGGTCATAG[G>C]GGGGTCCACTGCTTCCCCCCATGATACTGAGGGAGCTGATCATTGATTTACCTCGAGACA-3'
Protein context (NP_002327.2, residues 1449-1469): LSIMGGSSGP[Pro1459Arg]YDRAHVTGAS